The following is an entry in ClinVar:

NM_001042492.3(NF1):c.1528-1_1529del

Gene: NF1 (neurofibromin 1; plus strand). Cytogenetic location: 17q11.2.
Variant type: Deletion.
Coding change: c.1528-1_1529del on transcript NM_001042492.3 (MANE Select); the canonical splice acceptor site of the intron before coding-DNA position 1528 through coding-DNA position 1529, 3 bases deleted (GAA; older notation c.1528-1_1529delGAA).
Molecular consequence: splice acceptor variant.
Genome position (GRCh38, 1-based): chr17:31,219,004-31,219,006, GAA deleted; deleting any 3 consecutive bases within chr17:31,219,003-31,219,006 gives the same sequence; the c. name uses the placement nearest the transcript's 3' end. VCF-style (leftmost placement, unchanged base first): chr17-31219002-CAGA-C. GRCh37 (hg19) VCF-style: chr17-29546020-CAGA-C.
Other names: c.1528-1_1529del (NM_000267.4, NM_001128147.3).
Identifiers: ClinVar variation 3652297 (VCV003652297.2).

ClinVar aggregate classification (germline): Likely pathogenic (1 of 4 stars; one submission).

Conditions:
Neurofibromatosis, type 1 (NF1). Also called: Peripheral type neurofibromatosis; VON RECKLINGHAUSEN DISEASE; Neurofibromatosis, type I; NEUROFIBROMATOSIS, TYPE I, SOMATIC. Identifiers: Orphanet 636, MedGen C0027831, MONDO:0018975, OMIM 162200. Disease mechanism: loss of function.

Submission:

Labcorp Genetics (formerly Invitae), Labcorp
Classification: Likely pathogenic for Neurofibromatosis, type 1. Last evaluated: 2024-05-06. Review status: criteria provided, single submitter. Criteria: Invitae Variant Classification Sherloc (09022015). Collection method: clinical testing. Allele origin: germline.
Comment: This variant results in the deletion of part of exon 14 (c.1528-1_1529del) of the NF1 gene. It is expected to disrupt RNA splicing. Variants that disrupt the donor or acceptor splice site typically lead to a loss of protein function (PMID: 16199547), and loss-of-function variants in NF1 are known to be pathogenic (PMID: 10712197, 23913538). This variant is not present in population databases (gnomAD no frequency). This variant has not been reported in the literature in individuals affected with NF1-related conditions. In summary, the currently available evidence indicates that the variant is pathogenic, but additional data are needed to prove that conclusively. Therefore, this variant has been classified as Likely Pathogenic.

Literature cited by the submitters: PubMed 16199547; PubMed 10712197; PubMed 23913538.